The following is an entry in ClinVar:

ClinVar aggregate classification (germline): Likely benign (1 of 4 stars; one submission).

Allele frequency attached by ClinVar (database versions not stated): ExAC below 0.00001; gnomAD exomes below 0.00001.
gnomAD v4.1: 2 of 1,607,244 alleles (0.00012%); highest among the groups gnomAD compares: Non-Finnish European, 0.00017%; no homozygotes.

Submission:

GeneDx
Classification: Likely benign. Last evaluated: 2016-02-04. Review status: criteria provided, single submitter. Criteria: GeneDx Variant Classification (06012015). Collection method: clinical testing. Allele origin: germline. Affected: yes.
Comment: This variant is considered likely benign or benign based on one or more of the following criteria: it is a conservative change, it occurs at a poorly conserved position in the protein, it is predicted to be benign by multiple in silico algorithms, and/or has population frequency not consistent with disease.

NM_007327.4(GRIN1):c.2133C>T (p.Tyr711=)

Gene: GRIN1 (glutamate ionotropic receptor NMDA type subunit 1; plus strand). Cytogenetic location: 9q34.3.
Variant type: single nucleotide variant.
Coding change: c.2133C>T on transcript NM_007327.4 (MANE Select); coding-DNA position 2133, C replaced by T.
Protein change: p.Tyr711=; no amino-acid change (tyrosine 711 retained).
Molecular consequence: synonymous variant.
Genome position (GRCh38, 1-based): chr9:137,162,965, C>T. VCF-style: chr9-137162965-C-T. GRCh37 (hg19) VCF-style: chr9-140057417-C-T.
Other names: c.2133C>T, p.Tyr711= (NM_000832.7, NM_021569.4); c.2196C>T, p.Tyr732= (NM_001185090.2, NM_001185091.2).
Identifiers: ClinVar variation 383463 (VCV000383463.1), dbSNP rs760691794, ClinGen allele CA5361058.